The following is an entry in ClinVar:

ClinVar aggregate classification (germline): Conflicting classifications of pathogenicity. Review status: criteria provided, conflicting classifications (1 of 4 stars). 2 submissions from 2 submitters: Uncertain significance (1); Likely benign (1). Last evaluated 2024-12-23.

gnomAD v4.1: 8 of 1,611,344 alleles (0.0005%); highest among the groups gnomAD compares: Non-Finnish European, 0.00051%; no homozygotes.

Submissions (2):

Mayo Clinic Laboratories, Mayo Clinic
Classification: Likely benign. Last evaluated: 2024-12-23. Review status: criteria provided, single submitter. Criteria: ACMG Guidelines, 2015. Collection method: clinical testing. Allele origin: germline. Observed: 1 variant allele.
Comment: BP4, BP7

Labcorp Genetics (formerly Invitae), Labcorp
Classification: Uncertain significance. Last evaluated: 2024-10-23. Review status: criteria provided, single submitter. Criteria: Invitae Variant Classification Sherloc (09022015). Collection method: clinical testing. Allele origin: germline.
Comment: This sequence change falls in intron 7 of the ATPAF2 gene. It does not directly change the encoded amino acid sequence of the ATPAF2 protein. It affects a nucleotide within the consensus splice site. The frequency data for this variant in the population databases is considered unreliable, as metrics indicate poor data quality at this position in the gnomAD database. This variant has not been reported in the literature in individuals affected with ATPAF2-related conditions. Variants that disrupt the consensus splice site are a relatively common cause of aberrant splicing (PMID: 17576681, 9536098). Algorithms developed to predict the effect of sequence changes on RNA splicing suggest that this variant is not likely to affect RNA splicing. In summary, the available evidence is currently insufficient to determine the role of this variant in disease. Therefore, it has been classified as a Variant of Uncertain Significance.

Literature cited by the submitters: PubMed 17576681 (cited by Labcorp Genetics (formerly Invitae), Labcorp); PubMed 9536098 (cited by Labcorp Genetics (formerly Invitae), Labcorp).

NM_145691.4(ATPAF2):c.732+6G>A

Gene: ATPAF2 (ATP synthase mitochondrial F1 complex assembly factor 2; minus strand). Cytogenetic location: 17p11.2.
Variant type: single nucleotide variant.
Coding change: c.732+6G>A on transcript NM_145691.4 (MANE Select); 6 bases into the intron after coding-DNA position 732, G replaced by A.
Molecular consequence: intron variant.
Genome position (GRCh38, 1-based): chr17:18,021,117, C>T on the plus strand (G>A on the coding strand, the complement: ATPAF2 is on the minus strand). VCF-style: chr17-18021117-C-T. GRCh37 (hg19) VCF-style: chr17-17924431-C-T.
Other names: p.?.
Identifiers: ClinVar variation 3626046 (VCV003626046.3).